The following is an entry in ClinVar:

NM_000158.4(GBE1):c.15G>A (p.Met5Ile)

Gene: GBE1 (1,4-alpha-glucan branching enzyme 1; minus strand). Cytogenetic location: 3p12.2.
Variant type: single nucleotide variant.
Coding change: c.15G>A on transcript NM_000158.4 (MANE Select); coding-DNA position 15, G replaced by A.
Protein change: p.Met5Ile; replaces methionine 5 with isoleucine.
Molecular consequence: missense variant.
Genome position (GRCh38, 1-based): chr3:81,761,503, C>T on the plus strand (G>A on the coding strand, the complement: GBE1 is on the minus strand). VCF-style: chr3-81761503-C-T. GRCh37 (hg19) VCF-style: chr3-81810654-C-T.
Other names: short protein forms M5I.
Identifiers: ClinVar variation 441107 (VCV000441107.71), dbSNP rs62267114, ClinGen allele CA2500119.
Genomic context (GRCh38, chr3:81,761,503, plus strand): 5'-CACGTCAGCCAGGGCGGCATTGAGCGCCGCCTCGTAGTCCTCGGGCCGAGCCGCGGGAGT[C>T]ATCGGAGCCGCCATATTCCGCCGCAGTCCAAGTAGCCGAGGCCCGAGAGGTCGAGTGGGG-3'
Protein context (NP_000149.4, residues 1-15): MAAP[Met5Ile]TPAARPEDYE

ClinVar aggregate classification (germline): Conflicting classifications of pathogenicity. Review status: criteria provided, conflicting classifications (1 of 4 stars). 11 submissions from 10 submitters: Uncertain significance (7); Likely benign (3). 1 of the submissions does not count toward it. Last evaluated 2026-02-01.

Conditions:
Glycogen storage disease, type IV (GSD4). Also called: AMYLOPECTINOSIS; ANDERSEN DISEASE; BRANCHER DEFICIENCY; CIRRHOSIS, FAMILIAL, WITH DEPOSITION OF ABNORMAL GLYCOGEN; Glycogen storage disease due to glycogen branching enzyme deficiency; GBE1 DEFICIENCY. Identifiers: Orphanet 367, MedGen C0017923, MONDO:0009292, OMIM 232500.
Glycogen storage disease IV, classic hepatic. Also called: GSD IV, CLASSIC HEPATIC. Identifiers: MedGen C1856301.
GBE1-related disorder. Also called: GBE1-related condition; GBE1-related disorders. Identifiers: MedGen CN239402.
Adult polyglucosan body disease (APBN). Also called: GBE1-Adult Polyglucosan Body Disease; POLYGLUCOSAN BODY DISEASE, ADULT FORM. Identifiers: Orphanet 206583, MedGen C1849722, MONDO:0009897, OMIM 263570.

Allele frequency attached by ClinVar (database versions not stated): ExAC 0.00082; gnomAD exomes 0.00086 and 0.00156; ESP Exome Variant Server 0.00100; TOPMed 0.00100; gnomAD 0.00116 and 0.00125.
gnomAD v4.1: 2,421 of 1,604,598 alleles (0.15%); highest among the groups gnomAD compares: Non-Finnish European, 0.19%; 3 homozygotes.

Submissions (11):

Labcorp Genetics (formerly Invitae), Labcorp
Classification: Likely benign for Glycogen storage disease, type IV; Glycogen storage disease IV, classic hepatic. Last evaluated: 2026-02-01. Review status: criteria provided, single submitter. Criteria: Invitae Variant Classification Sherloc (09022015). Collection method: clinical testing. Allele origin: germline.

GeneDx
Classification: Uncertain significance. Last evaluated: 2025-06-12. Review status: criteria provided, single submitter. Criteria: GeneDx Variant Classification Process June 2021. Collection method: clinical testing. Allele origin: germline. Affected: yes.
Comment: Identified in a family with familial primary hyperparathyroidism in published literature (PMID: 27745835); In silico analysis suggests that this missense variant does not alter protein structure/function; This variant is associated with the following publications: (PMID: 27745835)

Mayo Clinic Laboratories, Mayo Clinic
Classification: Uncertain significance. Last evaluated: 2025-06-09. Review status: criteria provided, single submitter. Criteria: ACMG Guidelines, 2015. Collection method: clinical testing. Allele origin: germline. Observed: 13 variant alleles.
Comment: BP4_moderate

Blueprint Genetics
Classification: Likely benign. Last evaluated: 2024-11-20. Review status: criteria provided, single submitter. Criteria: ACMG Guidelines, 2015. Collection method: clinical testing. Allele origin: germline.

Department of Pathology and Laboratory Medicine, Sinai Health System
Classification: Uncertain significance for Glycogen storage disease, type IV; Adult polyglucosan body disease. Last evaluated: 2023-10-15. Review status: criteria provided, single submitter. Criteria: ACMG Guidelines, 2015. Collection method: research. Allele origin: germline.

Women's Health and Genetics/Laboratory Corporation of America, LabCorp
Classification: Likely benign. Last evaluated: 2023-10-03. Review status: criteria provided, single submitter. Criteria: LabCorp Variant Classification Summary - May 2015. Collection method: clinical testing. Allele origin: germline.
Comment: Variant summary: GBE1 c.15G>A (p.Met5Ile) results in a conservative amino acid change in the encoded protein sequence. Five of five in-silico tools predict a benign effect of the variant on protein function. The variant allele was found at a frequency of 0.00093 in 257704 control chromosomes, predominantly at a frequency of 0.0017 within the Non-Finnish European subpopulation in the gnomAD database, including 1 homozygote. To our knowledge, no occurrence of c.15G>A in individuals affected with GBE1-Related Disorders and no experimental evidence demonstrating its impact on protein function have been reported. Six submitters have cited clinical-significance assessments for this variant to ClinVar after 2014. Based on the evidence outlined above, the variant was classified as likely benign.

CeGaT Center for Human Genetics Tuebingen
Classification: Uncertain significance. Last evaluated: 2023-08-01. Review status: criteria provided, single submitter. Criteria: CeGaT Center For Human Genetics Tuebingen Variant Classification Criteria Version 2. Collection method: clinical testing. Allele origin: germline. Affected: yes. Observed: 3 variant alleles.

Fulgent Genetics
Classification: Uncertain significance for Glycogen storage disease, type IV; Adult polyglucosan body disease. Last evaluated: 2018-10-31. Review status: criteria provided, single submitter. Criteria: ACMG Guidelines, 2015. Collection method: clinical testing. Allele origin: unknown.

Illumina Laboratory Services, Illumina
Classification: Uncertain significance for Glycogen storage disease, type IV. Last evaluated: 2017-04-27. Review status: criteria provided, single submitter. Criteria: ICSL Variant Classification Criteria 13 December 2019. Collection method: clinical testing. Allele origin: germline.

Illumina Laboratory Services, Illumina
Classification: Uncertain significance for Adult polyglucosan body disease. Last evaluated: 2017-04-27. Review status: criteria provided, single submitter. Criteria: ICSL Variant Classification Criteria 13 December 2019. Collection method: clinical testing. Allele origin: germline.

PreventionGenetics, part of Exact Sciences
Classification: Likely benign for GBE1-related condition. Last evaluated: 2022-01-31. Review status: no assertion criteria provided. Collection method: clinical testing. Allele origin: germline. Not counted in ClinVar's aggregate classification.
Comment: This variant is classified as likely benign based on ACMG/AMP sequence variant interpretation guidelines (Richards et al. 2015 PMID: 25741868, with internal and published modifications).

Literature cited by the submitters: PubMed 20058079 (cited by Mayo Clinic Laboratories, Mayo Clinic).